The following is an entry in ClinVar:

ClinVar aggregate classification (germline): Likely benign (1 of 4 stars; one submission).

Allele frequency attached by ClinVar (database versions not stated): gnomAD 0.00001; gnomAD exomes 0.00001; TOPMed 0.00001.
gnomAD v4.1: 9 of 1,613,214 alleles (0.00056%); highest among the groups gnomAD compares: Non-Finnish European, 0.00076%; no homozygotes.

Submission:

GeneDx
Classification: Likely benign. Last evaluated: 2015-10-29. Review status: criteria provided, single submitter. Criteria: GeneDx Variant Classification (06012015). Collection method: clinical testing. Allele origin: germline. Affected: yes.
Comment: This variant is considered likely benign or benign based on one or more of the following criteria: it is a conservative change, it occurs at a poorly conserved position in the protein, it is predicted to be benign by multiple in silico algorithms, and/or has population frequency not consistent with disease.

NM_005431.2(XRCC2):c.-42G>T

Gene: XRCC2 (X-ray repair cross complementing 2; minus strand). Cytogenetic location: 7q36.1.
Variant type: single nucleotide variant.
Coding change: c.-42G>T on transcript NM_005431.2 (MANE Select); 42 bases upstream of the start codon, G replaced by T.
Molecular consequence: 5 prime UTR variant.
Genome position (GRCh38, 1-based): chr7:152,676,121, C>A on the plus strand (G>T on the coding strand, the complement: XRCC2 is on the minus strand). VCF-style: chr7-152676121-C-A. GRCh37 (hg19) VCF-style: chr7-152373206-C-A.
Identifiers: ClinVar variation 381264 (VCV000381264.1), dbSNP rs1057521002, ClinGen allele CA16605311.